The following is an entry in ClinVar:

ClinVar aggregate classification (germline): Conflicting classifications of pathogenicity. Review status: criteria provided, conflicting classifications (1 of 4 stars). 4 submissions from 4 submitters: Uncertain significance (3); Likely benign (1). Last evaluated 2024-11-14.

Conditions:
Camptomelic dysplasia (CMPD). Also called: Campomelic Dysplasia; CMPD1/SRA1. Identifiers: Orphanet 140, MedGen C1861922, MONDO:0007251, OMIM 114290.

Allele frequency attached by ClinVar (database versions not stated): gnomAD 0.00002 and 0.00001; ExAC 0.00004; gnomAD exomes 0.00004.
gnomAD v4.1: 28 of 1,406,218 alleles (0.002%); highest among the groups gnomAD compares: Non-Finnish European, 0.0027%; no homozygotes.

Submissions (4):

Labcorp Genetics (formerly Invitae), Labcorp
Classification: Uncertain significance for Camptomelic dysplasia. Last evaluated: 2024-11-14. Review status: criteria provided, single submitter. Criteria: Invitae Variant Classification Sherloc (09022015). Collection method: clinical testing. Allele origin: germline.
Comment: This sequence change replaces glutamine, which is neutral and polar, with proline, which is neutral and non-polar, at codon 246 of the SOX9 protein (p.Gln246Pro). This variant is present in population databases (rs773882079, gnomAD 0.007%). This variant has not been reported in the literature in individuals affected with SOX9-related conditions. ClinVar contains an entry for this variant (Variation ID: 593386). Invitae Evidence Modeling of protein sequence and biophysical properties (such as structural, functional, and spatial information, amino acid conservation, physicochemical variation, residue mobility, and thermodynamic stability) indicates that this missense variant is not expected to disrupt SOX9 protein function with a negative predictive value of 95%. In summary, the available evidence is currently insufficient to determine the role of this variant in disease. Therefore, it has been classified as a Variant of Uncertain Significance.

Blueprint Genetics
Classification: Likely benign. Last evaluated: 2024-07-02. Review status: criteria provided, single submitter. Criteria: ACMG Guidelines, 2015. Collection method: clinical testing. Allele origin: germline.

GeneDx
Classification: Uncertain significance. Last evaluated: 2020-09-23. Review status: criteria provided, single submitter. Criteria: GeneDx Variant Classification Process June 2021. Collection method: clinical testing. Allele origin: germline. Affected: yes.
Comment: Has not been previously published as pathogenic or benign to our knowledge; In silico analysis supports that this missense variant does not alter protein structure/function

Eurofins Ntd Llc (ga)
Classification: Uncertain significance. Last evaluated: 2017-07-26. Review status: criteria provided, single submitter. Criteria: EGL Classification Definitions 2015. Collection method: clinical testing. Allele origin: germline. Observed: 1 variant allele, 1 heterozygote.

NM_000346.4(SOX9):c.737A>C (p.Gln246Pro)

Gene: SOX9 (SRY-box transcription factor 9; plus strand). Cytogenetic location: 17q24.3.
Variant type: single nucleotide variant.
Coding change: c.737A>C on transcript NM_000346.4 (MANE Select); coding-DNA position 737, A replaced by C.
Protein change: p.Gln246Pro; replaces glutamine 246 with proline.
Molecular consequence: missense variant.
Genome position (GRCh38, 1-based): chr17:72,123,594, A>C. VCF-style: chr17-72123594-A-C. GRCh37 (hg19) VCF-style: chr17-70119735-A-C.
Other names: short protein forms Q246P.
Identifiers: ClinVar variation 593386 (VCV000593386.11), dbSNP rs773882079, ClinGen allele CA8739013.
Genomic context (GRCh38, chr17:72,123,594, plus strand): 5'-TGTCCACAGGGCAATCCCAGGGCCCACCGACCCCACCCACCACCCCCAAAACCGACGTGC[A>C]GCCGGGCAAGGCTGACCTGAAGCGAGAGGGGCGCCCCTTGCCAGAGGGGGGCAGACAGCC-3'
Protein context (NP_000337.1, residues 236-256): TPPTTPKTDV[Gln246Pro]PGKADLKREG